The following is an entry in ClinVar:

NM_020529.3(NFKBIA):c.111G>A (p.Met37Ile)

Gene: NFKBIA (NFKB inhibitor alpha; minus strand). Cytogenetic location: 14q13.2.
Variant type: single nucleotide variant.
Coding change: c.111G>A on transcript NM_020529.3 (MANE Select); coding-DNA position 111, G replaced by A.
Protein change: p.Met37Ile; replaces methionine 37 with isoleucine.
Molecular consequence: missense variant.
Genome position (GRCh38, 1-based): chr14:35,404,534, C>T on the plus strand (G>A on the coding strand, the complement: NFKBIA is on the minus strand). VCF-style: chr14-35404534-C-T. GRCh37 (hg19) VCF-style: chr14-35873740-C-T.
Other names: short protein forms M37I.
Identifiers: ClinVar variation 934970 (VCV000934970.10), dbSNP rs764415243, ClinGen allele CA7155595.

ClinVar aggregate classification (germline): Uncertain significance (1 of 4 stars; one submission).

Conditions:
Ectodermal dysplasia and immunodeficiency 2. Identifiers: Orphanet 238468, Orphanet 98813, MedGen C2677481, MONDO:0012806, OMIM 612132.

Allele frequency attached by ClinVar (database versions not stated): TOPMed below 0.00001; ExAC 0.00001; gnomAD exomes 0.00002 and 0.00003.
gnomAD v4.1: 20 of 1,603,602 alleles (0.0012%); highest among the groups gnomAD compares: Non-Finnish European, 0.0015%; no homozygotes.

Submission:

Labcorp Genetics (formerly Invitae), Labcorp
Classification: Uncertain significance for Ectodermal dysplasia and immunodeficiency 2. Last evaluated: 2019-10-12. Review status: criteria provided, single submitter. Criteria: Invitae Variant Classification Sherloc (09022015). Collection method: clinical testing. Allele origin: germline.
Comment: This sequence change replaces methionine with isoleucine at codon 37 of the NFKBIA protein (p.Met37Ile). The methionine residue is moderately conserved and there is a small physicochemical difference between methionine and isoleucine. This variant is present in population databases (rs764415243, ExAC 0.002%). This variant has not been reported in the literature in individuals with NFKBIA-related conditions. Algorithms developed to predict the effect of missense changes on protein structure and function (SIFT, PolyPhen-2, Align-GVGD) all suggest that this variant is likely to be tolerated, but these predictions have not been confirmed by published functional studies and their clinical significance is uncertain. In summary, the available evidence is currently insufficient to determine the role of this variant in disease. Therefore, it has been classified as a Variant of Uncertain Significance.